The following is an entry in ClinVar:

NM_000890.5(KCNJ5):c.905T>C (p.Val302Ala)

Gene: KCNJ5 (potassium inwardly rectifying channel subfamily J member 5; plus strand). Cytogenetic location: 11q24.3.
Variant type: single nucleotide variant.
Coding change: c.905T>C on transcript NM_000890.5 (MANE Select); coding-DNA position 905, T replaced by C.
Protein change: p.Val302Ala; replaces valine 302 with alanine.
Molecular consequence: missense variant.
Genome position (GRCh38, 1-based): chr11:128,912,178, T>C. VCF-style: chr11-128912178-T-C. GRCh37 (hg19) VCF-style: chr11-128782073-T-C.
Other names: c.905T>C, p.Val302Ala (NM_001354169.2); short protein forms V302A.
Identifiers: ClinVar variation 1765628 (VCV001765628.3), dbSNP rs2497725448, ClinGen allele CA383251557.

ClinVar aggregate classification (germline): Uncertain significance. Review status: criteria provided, multiple submitters, no conflicts (2 of 4 stars). 2 submissions from 2 submitters: Uncertain significance (2). Last evaluated 2025-04-14.

Conditions:
Cardiovascular phenotype. Identifiers: MedGen CN230736.
Long QT syndrome (LQTS). Identifiers: MedGen C0023976, MeSH D008133, MONDO:0002442. Disease mechanism: loss of function. Inheritance: Various modes of inheritance.

Allele frequency attached by ClinVar (database versions not stated): gnomAD exomes 0.00003.

Submissions (2):

Labcorp Genetics (formerly Invitae), Labcorp
Classification: Uncertain significance for Long QT syndrome. Last evaluated: 2025-04-14. Review status: criteria provided, single submitter. Criteria: Invitae Variant Classification Sherloc (09022015). Collection method: clinical testing. Allele origin: germline.
Comment: This sequence change replaces valine, which is neutral and non-polar, with alanine, which is neutral and non-polar, at codon 302 of the KCNJ5 protein (p.Val302Ala). This variant is not present in population databases (gnomAD no frequency). This variant has not been reported in the literature in individuals affected with KCNJ5-related conditions. ClinVar contains an entry for this variant (Variation ID: 1765628). Invitae Evidence Modeling of protein sequence and biophysical properties (such as structural, functional, and spatial information, amino acid conservation, physicochemical variation, residue mobility, and thermodynamic stability) indicates that this missense variant is expected to disrupt KCNJ5 protein function with a positive predictive value of 80%. In summary, the available evidence is currently insufficient to determine the role of this variant in disease. Therefore, it has been classified as a Variant of Uncertain Significance.

Ambry Genetics
Classification: Uncertain significance for Cardiovascular phenotype. Last evaluated: 2020-10-20. Review status: criteria provided, single submitter. Criteria: Ambry Variant Classification Scheme 2023. Collection method: clinical testing. Allele origin: germline.
Comment: The p.V302A variant (also known as c.905T>C), located in coding exon 1 of the KCNJ5 gene, results from a T to C substitution at nucleotide position 905. The valine at codon 302 is replaced by alanine, an amino acid with similar properties. This amino acid position is highly conserved in available vertebrate species. In addition, this alteration is predicted to be deleterious by in silico analysis. Since supporting evidence is limited at this time, the clinical significance of this alteration remains unclear.